The following is an entry in ClinVar:

ClinVar aggregate classification (germline): Uncertain significance (1 of 4 stars; one submission).

Submission:

Labcorp Genetics (formerly Invitae), Labcorp
Classification: Uncertain significance. Last evaluated: 2022-11-22. Review status: criteria provided, single submitter. Criteria: Invitae Variant Classification Sherloc (09022015). Collection method: clinical testing. Allele origin: germline.
Comment: This sequence change replaces glycine, which is neutral and non-polar, with arginine, which is basic and polar, at codon 538 of the CDH23 protein (p.Gly538Arg). This variant is not present in population databases (gnomAD no frequency). This variant has not been reported in the literature in individuals affected with CDH23-related conditions. ClinVar contains an entry for this variant (Variation ID: 1474855). Advanced modeling of protein sequence and biophysical properties (such as structural, functional, and spatial information, amino acid conservation, physicochemical variation, residue mobility, and thermodynamic stability) performed at Invitae indicates that this missense variant is not expected to disrupt CDH23 protein function. In summary, the available evidence is currently insufficient to determine the role of this variant in disease. Therefore, it has been classified as a Variant of Uncertain Significance.

NM_022124.6(CDH23):c.1612G>C (p.Gly538Arg)

Gene: CDH23 (cadherin related 23; plus strand). Cytogenetic location: 10q22.1.
Variant type: single nucleotide variant.
Coding change: c.1612G>C on transcript NM_022124.6 (MANE Select); coding-DNA position 1612, G replaced by C.
Protein change: p.Gly538Arg; replaces glycine 538 with arginine.
Molecular consequence: missense variant.
Genome position (GRCh38, 1-based): chr10:71,677,553, G>C. VCF-style: chr10-71677553-G-C. GRCh37 (hg19) VCF-style: chr10-73437310-G-C.
Other names: c.1612G>C, p.Gly538Arg (NM_001171930.2, NM_001171931.2); short protein forms G538R.
Identifiers: ClinVar variation 1474855 (VCV001474855.8), dbSNP rs779335536, ClinGen allele CA377130368.
Genomic context (GRCh38, chr10:71,677,553, plus strand): 5'-ATTGCCAGGCTGGACTATGAGCTCATCCAGCGCTTCACCCTGACGATCATTGCCCGGGAC[G>C]GGGGCGGCGAGGAGACCACAGGCCGGGTCAGGATCAATGTGTTGGATGTCAACGACAACG-3'
Protein context (NP_071407.4, residues 528-548): RFTLTIIARD[Gly538Arg]GGEETTGRVR